The following is an entry in ClinVar:

ClinVar aggregate classification (germline): Likely benign (1 of 4 stars; one submission).

Allele frequency attached by ClinVar (database versions not stated): gnomAD exomes below 0.00001.
gnomAD v4.1: 2 of 1,613,718 alleles (0.00012%); highest among the groups gnomAD compares: East Asian, 0.0022%; no homozygotes.

Submission:

CeGaT Center for Human Genetics Tuebingen
Classification: Likely benign. Last evaluated: 2023-05-01. Review status: criteria provided, single submitter. Criteria: CeGaT Center For Human Genetics Tuebingen Variant Classification Criteria Version 2. Collection method: clinical testing. Allele origin: germline. Affected: yes. Observed: 1 variant allele.
Comment: KCNN3: PM2:Supporting, BP4, BP7

NM_002249.6(KCNN3):c.2097C>T (p.Ser699=)

Gene: KCNN3 (potassium calcium-activated channel subfamily N member 3; minus strand). Cytogenetic location: 1q21.3.
Variant type: single nucleotide variant.
Coding change: c.2097C>T on transcript NM_002249.6 (MANE Select); coding-DNA position 2097, C replaced by T.
Protein change: p.Ser699=; no amino-acid change (serine 699 retained).
Molecular consequence: synonymous variant.
Genome position (GRCh38, 1-based): chr1:154,708,075, G>A on the plus strand (C>T on the coding strand, the complement: KCNN3 is on the minus strand). VCF-style: chr1-154708075-G-A. GRCh37 (hg19) VCF-style: chr1-154680551-G-A.
Other names: c.2142C>T, p.Ser714= (NM_001204087.2); c.1203C>T, p.Ser401= (NM_001365837.1); c.1158C>T, p.Ser386= (NM_001365838.1); c.1182C>T, p.Ser394= (NM_170782.3).
Identifiers: ClinVar variation 2570734 (VCV002570734.27), dbSNP rs2526969562, ClinGen allele CA421285615.